The following is an entry in ClinVar:

NM_000843.4(GRM6):c.449G>A (p.Gly150Asp)

Gene: GRM6 (glutamate metabotropic receptor 6; minus strand). Cytogenetic location: 5q35.3.
Variant type: single nucleotide variant.
Coding change: c.449G>A on transcript NM_000843.4 (MANE Select); coding-DNA position 449, G replaced by A.
Protein change: p.Gly150Asp; replaces glycine 150 with aspartic acid.
Molecular consequence: missense variant.
Genome position (GRCh38, 1-based): chr5:178,994,496, C>T on the plus strand (G>A on the coding strand, the complement: GRM6 is on the minus strand). VCF-style: chr5-178994496-C-T. GRCh37 (hg19) VCF-style: chr5-178421497-C-T.
Other names: short protein forms G150D.
Identifiers: ClinVar variation 1421689 (VCV001421689.5), dbSNP rs1760736925, ClinGen allele CA362435735.

ClinVar aggregate classification (germline): Uncertain significance (1 of 4 stars; one submission).

Allele frequency attached by ClinVar (database versions not stated): gnomAD exomes below 0.00001.
gnomAD v4.1: 3 of 1,446,642 alleles (0.00021%); highest among the groups gnomAD compares: Non-Finnish European, 0.00027%; no homozygotes.

Submission:

Labcorp Genetics (formerly Invitae), Labcorp
Classification: Uncertain significance. Last evaluated: 2023-07-17. Review status: criteria provided, single submitter. Criteria: Invitae Variant Classification Sherloc (09022015). Collection method: clinical testing. Allele origin: germline.
Comment: This sequence change replaces glycine, which is neutral and non-polar, with aspartic acid, which is acidic and polar, at codon 150 of the GRM6 protein (p.Gly150Asp). This variant is not present in population databases (gnomAD no frequency). In summary, the available evidence is currently insufficient to determine the role of this variant in disease. Therefore, it has been classified as a Variant of Uncertain Significance. Advanced modeling of protein sequence and biophysical properties (such as structural, functional, and spatial information, amino acid conservation, physicochemical variation, residue mobility, and thermodynamic stability) performed at Invitae indicates that this missense variant is expected to disrupt GRM6 protein function. ClinVar contains an entry for this variant (Variation ID: 1421689). This variant has not been reported in the literature in individuals affected with GRM6-related conditions.